The following is an entry in ClinVar:

ClinVar aggregate classification (germline): Uncertain significance. Review status: criteria provided, multiple submitters, no conflicts (2 of 4 stars). 2 submissions from 2 submitters: Uncertain significance (2). Last evaluated 2025-08-01.

Conditions:
FLNC-related disorder. Also called: FLNC-related condition; FLNC-related disorders.

Allele frequency attached by ClinVar (database versions not stated): gnomAD exomes below 0.00001; gnomAD 0.00001.
gnomAD v4.1: 2 of 1,613,678 alleles (0.00012%); highest among the groups gnomAD compares: Admixed American, 0.0017%; no homozygotes.

Submissions (2):

GeneDx
Classification: Uncertain significance. Last evaluated: 2025-08-01. Review status: criteria provided, single submitter. Criteria: GeneDx Variant Classification Process June 2021. Collection method: clinical testing. Allele origin: germline. Affected: yes.
Comment: Not observed at significant frequency in large population cohorts (gnomAD); In silico analysis supports that this missense variant has a deleterious effect on protein structure/function; Has not been previously published as pathogenic or benign to our knowledge

PreventionGenetics, part of Exact Sciences
Classification: Uncertain significance for FLNC-related condition. Last evaluated: 2023-08-23. Review status: criteria provided, single submitter. Criteria: ACMG Guidelines, 2015. Collection method: clinical testing. Allele origin: germline.
Comment: The FLNC c.2848C>A variant is predicted to result in the amino acid substitution p.Pro950Thr. To our knowledge, this variant has not been reported in the literature or in a large population database, indicating this variant is rare. A different amino acid substitution at this position (p.Pro950Ala) was reported as variant on uncertain significance in an individual with muscular dystrophy (Table S6 in Ganapathy et al. 2019. PubMed ID: 31069529). At this time, the clinical significance of this variant is uncertain due to the absence of conclusive functional and genetic evidence.

NM_001458.5(FLNC):c.2848C>A (p.Pro950Thr)

Gene: FLNC (filamin C; plus strand). Cytogenetic location: 7q32.1.
Variant type: single nucleotide variant.
Coding change: c.2848C>A on transcript NM_001458.5 (MANE Select); coding-DNA position 2848, C replaced by A.
Protein change: p.Pro950Thr; replaces proline 950 with threonine.
Molecular consequence: missense variant.
Genome position (GRCh38, 1-based): chr7:128,843,832, C>A. VCF-style: chr7-128843832-C-A. GRCh37 (hg19) VCF-style: chr7-128483886-C-A.
Other names: c.2848C>A, p.Pro950Thr (NM_001127487.2); short protein forms P950T.
Identifiers: ClinVar variation 2630829 (VCV002630829.2), dbSNP rs1808442078, ClinGen allele CA369193416.
Genomic context (GRCh38, chr7:128,843,832, plus strand): 5'-CTGACCTACCATTGTACCCAACAGGGCAACATGGCAGTGACAGTGACTTATGGCGGGGAC[C>A]CTGTCCCCAAGAGCCCCTTTGTGGTGAATGTGGCACCCCCGCTGGACCTCAGCAAAATCA-3'
Protein context (NP_001449.3, residues 940-960): MAVTVTYGGD[Pro950Thr]VPKSPFVVNV